The following is an entry in ClinVar:

NM_015294.6(TRIM37):c.1031G>A (p.Arg344His)

Gene: TRIM37 (tripartite motif containing 37; minus strand). Cytogenetic location: 17q22.
Variant type: single nucleotide variant.
Coding change: c.1031G>A on transcript NM_015294.6 (MANE Select); coding-DNA position 1031, G replaced by A.
Protein change: p.Arg344His; replaces arginine 344 with histidine.
Molecular consequence: missense variant. On other transcripts: non-coding transcript variant (2).
Genome position (GRCh38, 1-based): chr17:59,057,043, C>T on the plus strand (G>A on the coding strand, the complement: TRIM37 is on the minus strand). VCF-style: chr17-59057043-C-T. GRCh37 (hg19) VCF-style: chr17-57134404-C-T.
Other names: c.1031G>A, p.Arg344His (NM_001005207.5, NM_001320988.3, NM_001320989.3 and 1 more transcripts); c.929G>A, p.Arg310His (NM_001320987.3, NM_001353082.2); c.665G>A, p.Arg222His (NM_001320990.3); c.296G>A, p.Arg99His (NM_001353083.2); c.569G>A, p.Arg190His (NM_001353085.2); c.980G>A, p.Arg327His (NM_001353086.2); short protein forms R190H, R222H, R310H, R327H, R344H, R99H.
Identifiers: ClinVar variation 4812208 (VCV004812208.1).

ClinVar aggregate classification (germline): Uncertain significance (1 of 4 stars; one submission).

gnomAD v4.1: 49 of 1,613,332 alleles (0.003%); highest among the groups gnomAD compares: South Asian, 0.024%; no homozygotes.

Submission:

Labcorp Genetics (formerly Invitae), Labcorp
Classification: Uncertain significance. Last evaluated: 2025-04-09. Review status: criteria provided, single submitter. Criteria: Invitae Variant Classification Sherloc (09022015). Collection method: clinical testing. Allele origin: germline.
Comment: This sequence change replaces arginine, which is basic and polar, with histidine, which is basic and polar, at codon 344 of the TRIM37 protein (p.Arg344His). This variant is present in population databases (rs373387394, gnomAD 0.008%). This variant has not been reported in the literature in individuals affected with TRIM37-related conditions. Invitae Evidence Modeling of protein sequence and biophysical properties (such as structural, functional, and spatial information, amino acid conservation, physicochemical variation, residue mobility, and thermodynamic stability) indicates that this missense variant is expected to disrupt TRIM37 protein function with a positive predictive value of 80%. In summary, the available evidence is currently insufficient to determine the role of this variant in disease. Therefore, it has been classified as a Variant of Uncertain Significance.